The following is an entry in ClinVar:

NM_003978.5(PSTPIP1):c.869G>A (p.Arg290Gln)

Gene: PSTPIP1 (proline-serine-threonine phosphatase interacting protein 1; plus strand). Cytogenetic location: 15q24.3.
Variant type: single nucleotide variant.
Coding change: c.869G>A on transcript NM_003978.5 (MANE Select); coding-DNA position 869, G replaced by A.
Protein change: p.Arg290Gln; replaces arginine 290 with glutamine.
Molecular consequence: missense variant. On other transcripts: intron variant (1).
Genome position (GRCh38, 1-based): chr15:77,032,892, G>A. VCF-style: chr15-77032892-G-A. GRCh37 (hg19) VCF-style: chr15-77325233-G-A.
Other names: c.842G>A, p.Arg281Gln (NM_001321136.2); c.1064G>A, p.Arg355Gln (NM_001321137.1); c.872+464G>A (NM_001321135.2); short protein forms R281Q, R355Q, R290Q.
Identifiers: ClinVar variation 839558 (VCV000839558.10), dbSNP rs761580488, ClinGen allele CA393521380.

ClinVar aggregate classification (germline): Uncertain significance. Review status: criteria provided, multiple submitters, no conflicts (2 of 4 stars). 2 submissions from 2 submitters: Uncertain significance (2). Last evaluated 2020-07-27.

Conditions:
Pyogenic arthritis-pyoderma gangrenosum-acne syndrome (PAPA). Also called: FAMILIAL RECURRENT ARTHRITIS; PAPA SYNDROME. Identifiers: Orphanet 69126, MedGen C1858361, MONDO:0011462, OMIM 604416.

Allele frequency attached by ClinVar (database versions not stated): TOPMed 0.00001.
gnomAD v4.1: 8 of 1,602,750 alleles (0.0005%); highest among the groups gnomAD compares: South Asian, 0.0022%; no homozygotes.

Submissions (2):

Blueprint Genetics
Classification: Uncertain significance. Last evaluated: 2020-07-27. Review status: criteria provided, single submitter. Criteria: ACMG Guidelines, 2015. Collection method: clinical testing. Allele origin: germline.

Labcorp Genetics (formerly Invitae), Labcorp
Classification: Uncertain significance for Pyogenic arthritis-pyoderma gangrenosum-acne syndrome. Last evaluated: 2019-02-17. Review status: criteria provided, single submitter. Criteria: Invitae Variant Classification Sherloc (09022015). Collection method: clinical testing. Allele origin: germline.
Comment: In summary, the available evidence is currently insufficient to determine the role of this variant in disease. Therefore, it has been classified as a Variant of Uncertain Significance. Algorithms developed to predict the effect of missense changes on protein structure and function (SIFT, PolyPhen-2, Align-GVGD) all suggest that this variant is likely to be tolerated, but these predictions have not been confirmed by published functional studies and their clinical significance is uncertain. This variant has not been reported in the literature in individuals with PSTPIP1-related conditions. This variant is not present in population databases (ExAC no frequency). This sequence change replaces arginine with glutamine at codon 290 of the PSTPIP1 protein (p.Arg290Gln). The arginine residue is moderately conserved and there is a small physicochemical difference between arginine and glutamine.